The following is an entry in ClinVar:

NM_016008.4(DYNC2LI1):c.115A>T (p.Ser39Cys)

Gene: DYNC2LI1 (dynein cytoplasmic 2 light intermediate chain 1; plus strand). Cytogenetic location: 2p21.
Variant type: single nucleotide variant.
Coding change: c.115A>T on transcript NM_016008.4 (MANE Select); coding-DNA position 115, A replaced by T.
Protein change: p.Ser39Cys; replaces serine 39 with cysteine.
Molecular consequence: missense variant.
Genome position (GRCh38, 1-based): chr2:43,776,888, A>T. VCF-style: chr2-43776888-A-T. GRCh37 (hg19) VCF-style: chr2-44004027-A-T.
Other names: c.115A>T, p.Ser39Cys (NM_001193464.2, NM_001348912.2, NM_001348913.2 and 1 more transcripts); short protein forms S39C.
Identifiers: ClinVar variation 2151930 (VCV002151930.4), dbSNP rs576199283, ClinGen allele CA46418170.
Genomic context (GRCh38, chr2:43,776,888, plus strand): 5'-ATTAATGGAAGTGAAGGTGATGGAGCTGAAATTGCAGAAAAATTTGTTTTCTTCATTGGC[A>T]GTAAAAATGGGGTAATGCTTTCTTTTTTTCAATTATTGTGATGATTTAACAACCATTGGT-3'
Protein context (NP_057092.2, residues 29-49): IAEKFVFFIG[Ser39Cys]KNGGKTTIIL

ClinVar aggregate classification (germline): Uncertain significance (1 of 4 stars; one submission).

Allele frequency attached by ClinVar (database versions not stated): gnomAD exomes below 0.00001; TOPMed 0.00001; gnomAD 0.00002.
gnomAD v4.1: 10 of 1,536,118 alleles (0.00065%); highest among the groups gnomAD compares: Non-Finnish European, 0.00072%; no homozygotes.

Submission:

Labcorp Genetics (formerly Invitae), Labcorp
Classification: Uncertain significance. Last evaluated: 2022-06-14. Review status: criteria provided, single submitter. Criteria: Invitae Variant Classification Sherloc (09022015). Collection method: clinical testing. Allele origin: germline.
Comment: In summary, the available evidence is currently insufficient to determine the role of this variant in disease. Therefore, it has been classified as a Variant of Uncertain Significance. Algorithms developed to predict the effect of missense changes on protein structure and function (SIFT, PolyPhen-2, Align-GVGD) all suggest that this variant is likely to be disruptive. This missense change has been observed in individual(s) with Jeune asphyxiating thoracic dystrophy (PMID: 26874042). This variant is present in population databases (rs576199283, gnomAD 0.0008%). This sequence change replaces serine, which is neutral and polar, with cysteine, which is neutral and slightly polar, at codon 39 of the DYNC2LI1 protein (p.Ser39Cys).

Literature cited by the submitters: PubMed 26874042.